The following is an entry in ClinVar:

NM_020461.4(TUBGCP6):c.4762C>T (p.Pro1588Ser)

Gene: TUBGCP6 (tubulin gamma complex component 6; minus strand). Cytogenetic location: 22q13.33.
Variant type: single nucleotide variant.
Coding change: c.4762C>T on transcript NM_020461.4 (MANE Select); coding-DNA position 4762, C replaced by T.
Protein change: p.Pro1588Ser; replaces proline 1588 with serine.
Molecular consequence: missense variant.
Genome position (GRCh38, 1-based): chr22:50,218,762, G>A on the plus strand (C>T on the coding strand, the complement: TUBGCP6 is on the minus strand). VCF-style: chr22-50218762-G-A. GRCh37 (hg19) VCF-style: chr22-50657191-G-A.
Other names: c.4762C>T (NM_020461.3); short protein forms P1588S.
Identifiers: ClinVar variation 1508409 (VCV001508409.7), dbSNP rs778198550, ClinGen allele CA10307354.

ClinVar aggregate classification (germline): Uncertain significance. Review status: criteria provided, multiple submitters, no conflicts (2 of 4 stars). 2 submissions from 2 submitters: Uncertain significance (2). Last evaluated 2022-12-14.

Conditions:
Inborn genetic diseases. Identifiers: MedGen C0950123, MeSH D030342.

Allele frequency attached by ClinVar (database versions not stated): gnomAD exomes below 0.00001; ExAC 0.00001; gnomAD 0.00001.
gnomAD v4.1: 7 of 1,613,958 alleles (0.00043%); highest among the groups gnomAD compares: Non-Finnish European, 0.00059%; no homozygotes.

Submissions (2):

Ambry Genetics
Classification: Uncertain significance for Inborn genetic diseases. Last evaluated: 2022-12-14. Review status: criteria provided, single submitter. Criteria: Ambry Variant Classification Scheme 2023. Collection method: clinical testing. Allele origin: germline.

Labcorp Genetics (formerly Invitae), Labcorp
Classification: Uncertain significance. Last evaluated: 2022-03-22. Review status: criteria provided, single submitter. Criteria: Invitae Variant Classification Sherloc (09022015). Collection method: clinical testing. Allele origin: germline.
Comment: In summary, the available evidence is currently insufficient to determine the role of this variant in disease. Therefore, it has been classified as a Variant of Uncertain Significance. Algorithms developed to predict the effect of missense changes on protein structure and function are either unavailable or do not agree on the potential impact of this missense change (SIFT: "Tolerated"; PolyPhen-2: "Probably Damaging"; Align-GVGD: "Class C0"). This variant has not been reported in the literature in individuals affected with TUBGCP6-related conditions. This variant is present in population databases (rs778198550, gnomAD 0.0009%). This sequence change replaces proline, which is neutral and non-polar, with serine, which is neutral and polar, at codon 1588 of the TUBGCP6 protein (p.Pro1588Ser).